The following is an entry in ClinVar:

NM_194279.4(ISCA2):c.129C>G (p.Pro43=)

Gene: ISCA2 (iron-sulfur cluster assembly 2; plus strand). Cytogenetic location: 14q24.3.
Variant type: single nucleotide variant.
Coding change: c.129C>G on transcript NM_194279.4 (MANE Select); coding-DNA position 129, C replaced by G.
Protein change: p.Pro43=; no amino-acid change (proline 43 retained).
Molecular consequence: synonymous variant.
Genome position (GRCh38, 1-based): chr14:74,494,107, C>G. VCF-style: chr14-74494107-C-G. GRCh37 (hg19) VCF-style: chr14-74960810-C-G.
Other names: c.129C>G, p.Pro43= (NM_001272007.2).
Identifiers: ClinVar variation 4084325 (VCV004084325.9).

ClinVar aggregate classification (germline): Likely benign. Review status: criteria provided, multiple submitters, no conflicts (2 of 4 stars). 2 submissions from 2 submitters: Likely benign (2). Last evaluated 2025-11-05.

gnomAD v4.1: 62 of 1,575,212 alleles (0.0039%); highest among the groups gnomAD compares: South Asian, 0.056%; 1 homozygote.

Submissions (2):

Labcorp Genetics (formerly Invitae), Labcorp
Classification: Likely benign. Last evaluated: 2025-11-05. Review status: criteria provided, single submitter. Criteria: Invitae Variant Classification Sherloc (09022015). Collection method: clinical testing. Allele origin: germline.

CeGaT Center for Human Genetics Tuebingen
Classification: Likely benign. Last evaluated: 2025-07-01. Review status: criteria provided, single submitter. Criteria: CeGaT Center For Human Genetics Tuebingen Variant Classification Criteria Version 2. Collection method: clinical testing. Allele origin: germline. Affected: yes. Observed: 1 variant allele.
Comment: ISCA2: BP4, BP7